The following is an entry in ClinVar:

ClinVar aggregate classification (germline): Pathogenic (1 of 4 stars; one submission).

Conditions:
Werner syndrome (WRN). Identifiers: Orphanet 902, MedGen C0043119, MONDO:0010196, OMIM 277700.

Submission:

Labcorp Genetics (formerly Invitae), Labcorp
Classification: Pathogenic for Werner syndrome. Last evaluated: 2023-06-06. Review status: criteria provided, single submitter. Criteria: Invitae Variant Classification Sherloc (09022015). Collection method: clinical testing. Allele origin: germline.
Comment: For these reasons, this variant has been classified as Pathogenic. Algorithms developed to predict the effect of sequence changes on RNA splicing suggest that this variant may disrupt the consensus splice site. This variant has not been reported in the literature in individuals affected with WRN-related conditions. This variant is not present in population databases (gnomAD no frequency). This sequence change creates a premature translational stop signal (p.Thr1194Aspfs*8) in the WRN gene. It is expected to result in an absent or disrupted protein product. Loss-of-function variants in WRN are known to be pathogenic (PMID: 16673358).

Literature cited by the submitters: PubMed 16673358.

NM_000553.6(WRN):c.3573-1_3579dup

Gene: WRN (WRN RecQ like helicase; plus strand). Cytogenetic location: 8p12.
Variant type: Duplication.
Coding change: c.3573-1_3579dup on transcript NM_000553.6 (MANE Select); the canonical splice acceptor site of the intron before coding-DNA position 3573 through coding-DNA position 3579, 8 bases duplicated (GACCAACT; older notation c.3573-1_3579dupGACCAACT).
Molecular consequence: splice acceptor variant.
Genome position (GRCh38, 1-based): chr8:31,150,340-31,150,347, GACCAACT duplicated. VCF-style (leftmost placement, unchanged base first): chr8-31150339-A-AGACCAACT. GRCh37 (hg19) VCF-style: chr8-31007855-A-AGACCAACT.
Identifiers: ClinVar variation 2776087 (VCV002776087.3), dbSNP rs2536049305, ClinGen allele CA2739279022.